The following is an entry in ClinVar:

NM_032545.4(CFC1):c.522del (p.Ala175fs)

Gene: CFC1 (cryptic, EGF-CFC family member 1; minus strand). Cytogenetic location: 2q21.1.
Variant type: Deletion.
Coding change: c.522del on transcript NM_032545.4 (MANE Select); coding-DNA position 522, one base deleted (C; older notation c.522delC).
Protein change: p.Ala175fs; shifts the reading frame from alanine 175.
Molecular consequence: frameshift variant.
Genome position (GRCh38, 1-based): chr2:130,593,027, G deleted on the plus strand (C on the coding strand, the reverse complement: CFC1 is on the minus strand). VCF-style (leftmost placement, unchanged base first): chr2-130593026-CG-C. GRCh37 (hg19) VCF-style: chr2-131350599-CG-C.
Other names: c.407del, p.Ala136fs (NM_001270420.2); c.297del, p.Ala100fs (NM_001270421.2); c.522delC (NM_032545.2); short protein forms A136fs, A100fs, A175fs.
Identifiers: ClinVar variation 5188 (VCV000005188.33), dbSNP rs746231039, ClinGen allele CA281556.

ClinVar aggregate classification (germline): Conflicting classifications of pathogenicity. Review status: criteria provided, conflicting classifications (1 of 4 stars). 5 submissions from 5 submitters: Uncertain significance (3); Benign (1). 1 of the submissions does not count toward it. Last evaluated 2025-03-28.

Conditions:
Heterotaxy, visceral, 2, autosomal (HTX2). Identifiers: Orphanet 450, MedGen C1415817, MONDO:0011546, OMIM 605376.

Allele frequency attached by ClinVar (database versions not stated): ExAC below 0.00001; gnomAD 0.00079 and 0.00090; gnomAD exomes 0.00146.

Submissions (5):

GeneDx
Classification: Uncertain significance. Last evaluated: 2025-03-28. Review status: criteria provided, single submitter. Criteria: GeneDx Variant Classification Process June 2021. Collection method: clinical testing. Allele origin: germline. Affected: yes.
Comment: Also identified in a patient with isolated double-outlet right ventricle and inherited from an asymptomatic parent in the published literature (PMID: 11799476); Observed in two unrelated patients with various laterality defects in published literature; one patient inherited the variant from an asymptomatic parent in addition to also having a variant in another heterotaxy-related gene (PMID: 11062482); Published in vitro functional studies in zebrafish support a damaging effect, as this variant was found to be absent from the cell surface and was unable to rescue MZoep mutant phenotype (PMID: 11062482); Frameshift variant predicted to result in abnormal protein length as the last 49 amino acids are replaced with 55 different amino acids; This variant is associated with the following publications: (PMID: 31589614, Maaged2022[Review], 30293987, 11799476, 11062482)

Genomic Medicine Center of Excellence, King Faisal Specialist Hospital and Research Centre
Classification: Uncertain significance for Heterotaxy, visceral, 2, autosomal. Last evaluated: 2024-03-29. Review status: criteria provided, single submitter. Criteria: ACMG Guidelines, 2015. Collection method: clinical testing. Allele origin: germline.

CeGaT Center for Human Genetics Tuebingen
Classification: Benign. Last evaluated: 2023-12-01. Review status: criteria provided, single submitter. Criteria: CeGaT Center For Human Genetics Tuebingen Variant Classification Criteria Version 2. Collection method: clinical testing. Allele origin: germline. Affected: yes. Observed: 1 variant allele.
Comment: CFC1: BS1, BS2

Mendelics
Classification: Uncertain significance. Last evaluated: 2022-05-04. Review status: criteria provided, single submitter. Criteria: Mendelics Assertion Criteria 2019. Collection method: clinical testing. Allele origin: germline.

OMIM
Classification: Pathogenic for HETEROTAXY, VISCERAL, 2, AUTOSOMAL. Last evaluated: 2002-03-01. Review status: no assertion criteria provided. Collection method: literature only. Allele origin: germline. Not counted in ClinVar's aggregate classification.

Literature cited by the submitters: PubMed 11062482 (cited by OMIM); PubMed 11799476 (cited by OMIM).